The following is an entry in ClinVar:

NM_024675.4(PALB2):c.119_120delinsTT (p.Arg40Ile)

Gene: PALB2 (partner and localizer of BRCA2; minus strand). Cytogenetic location: 16p12.2.
Variant type: Indel.
Coding change: c.119_120delinsTT on transcript NM_024675.4 (MANE Select); coding-DNA positions 119 to 120, GA replaced by TT.
Protein change: p.Arg40Ile; replaces arginine 40 with isoleucine.
Molecular consequence: missense variant.
Genome position (GRCh38, 1-based): chr16:23,637,941-23,637,942, TC replaced by AA on the plus strand (GA replaced by TT on the coding strand, the reverse complement: PALB2 is on the minus strand). VCF-style: chr16-23637941-TC-AA. GRCh37 (hg19) VCF-style: chr16-23649262-TC-AA.
Other names: c.119_120delGAinsTT (NM_024675.3); short protein forms R40I.
Identifiers: ClinVar variation 419754 (VCV000419754.5), dbSNP rs1064794085, ClinGen allele CA16620163.

ClinVar aggregate classification (germline): Uncertain significance. Review status: criteria provided, multiple submitters, no conflicts (2 of 4 stars). 3 submissions from 3 submitters: Uncertain significance (3). Last evaluated 2024-12-10.

Conditions:
Familial cancer of breast. Also called: Hereditary breast cancer; BREAST CANCER, FAMILIAL; hereditary breast carcinoma. Identifiers: Orphanet 227535, MedGen C0346153, MONDO:0016419, OMIM 114480. Disease mechanism: loss of function.
Hereditary cancer-predisposing syndrome. Also called: Hereditary neoplastic syndrome; Tumor predisposition; Neoplastic Syndromes, Hereditary; Hereditary Cancer Syndrome. Identifiers: Orphanet 140162, MedGen C0027672, MeSH D009386, MONDO:0015356.

Submissions (3):

Ambry Genetics
Classification: Uncertain significance for Hereditary cancer-predisposing syndrome. Last evaluated: 2024-12-10. Review status: criteria provided, single submitter. Criteria: Ambry Variant Classification Scheme 2023. Collection method: clinical testing. Allele origin: germline.
Comment: The c.119_120delGAinsTT variant (also known as p.R40I), located in coding exon 3 of the PALB2 gene, results from an in-frame deletion of GA and insertion of TT at nucleotide positions 119 to 120. This results in the substitution of the arginine residue for an isoleucine residue at codon 40, an amino acid with similar properties. This amino acid position is highly conserved in available vertebrate species. In addition, the in silico prediction for this alteration is inconclusive (Choi Y et al. PLoS ONE. 2012; 7(10):e46688). Based on the available evidence, the clinical significance of this variant remains unclear.

Labcorp Genetics (formerly Invitae), Labcorp
Classification: Uncertain significance for Familial cancer of breast. Last evaluated: 2023-03-16. Review status: criteria provided, single submitter. Criteria: Invitae Variant Classification Sherloc (09022015). Collection method: clinical testing. Allele origin: germline.
Comment: An algorithm developed to predict the effect of missense changes on protein structure and function (PolyPhen-2) suggests that this variant is likely to be disruptive. In summary, the available evidence is currently insufficient to determine the role of this variant in disease. Therefore, it has been classified as a Variant of Uncertain Significance. ClinVar contains an entry for this variant (Variation ID: 419754). This variant has not been reported in the literature in individuals affected with PALB2-related conditions. Information on the frequency of this variant in the gnomAD database is not available, as this variant may be reported differently in the database. This sequence change replaces arginine, which is basic and polar, with isoleucine, which is neutral and non-polar, at codon 40 of the PALB2 protein (p.Arg40Ile).

GeneDx
Classification: Uncertain significance. Last evaluated: 2015-08-21. Review status: criteria provided, single submitter. Criteria: GeneDx Variant Classification (06012015). Collection method: clinical testing. Allele origin: germline. Affected: yes.
Comment: This variant is denoted PALB2 c.119_120delGAinsTT at the cDNA level, p.Arg40Ile (R40I) at the protein level. The normal sequence, with the bases that are deleted in braces and inserted in brackets, is CAAA[GA][TT]GCTG. This in frame deletion and insertion occurs on the same allele (in cis) and results in the missense change of an Arginine to an Isoleucine (AGA>ATT). This variant has not, to our knowledge, been published in the literature as pathogenic or benign. Neither PALB2 c.119_120delGAinsTT nor PALB2 Arg40Ile (by this or an alternate nucleotide change) was observed in approximately 6,500 individuals of European and African American ancestry in the NHLBI Exome Sequencing Project, indicating it is not a common benign variant in these populations. Since Arginine and Isoleucine differ in polarity, charge, size or other properties, this is considered a non-conservative amino acid substitution. PALB2 Arg40Ile occurs at a position that is not conserved and is located in the region of interaction with BRCA1 and RAD51, the DNA-binding region and the region required for oligomerization and focal concentration at DNA damage sites (UniProt). In addition, in silico analyses predict that this variant is probably damaging to protein structure and function. Based on currently available information, we consider PALB2 Arg40Ile to be a variant of uncertain significance.